The following is an entry in ClinVar:

NM_001013838.3(CARMIL2):c.3253G>A (p.Gly1085Arg)

Gene: CARMIL2 (capping protein regulator and myosin 1 linker 2; plus strand). Cytogenetic location: 16q22.1.
Variant type: single nucleotide variant.
Coding change: c.3253G>A on transcript NM_001013838.3 (MANE Select); coding-DNA position 3253, G replaced by A.
Protein change: p.Gly1085Arg; replaces glycine 1085 with arginine.
Molecular consequence: missense variant.
Genome position (GRCh38, 1-based): chr16:67,654,363, G>A. VCF-style: chr16-67654363-G-A. GRCh37 (hg19) VCF-style: chr16-67688266-G-A.
Other names: c.3145G>A, p.Gly1049Arg (NM_001317026.3); short protein forms G1049R, G1085R.
Identifiers: ClinVar variation 2428862 (VCV002428862.3), dbSNP rs944112549, ClinGen allele CA396344342.

ClinVar aggregate classification (germline): Uncertain significance (1 of 4 stars; one submission).

Allele frequency attached by ClinVar (database versions not stated): gnomAD exomes below 0.00001.
gnomAD v4.1: 3 of 1,602,652 alleles (0.00019%); highest among the groups gnomAD compares: Non-Finnish European, 0.00026%; no homozygotes.

Submission:

GeneDx
Classification: Uncertain significance. Last evaluated: 2022-08-01. Review status: criteria provided, single submitter. Criteria: GeneDx Variant Classification Process June 2021. Collection method: clinical testing. Allele origin: germline. Affected: yes.
Comment: Not observed at significant frequency in large population cohorts (gnomAD); In silico analysis supports that this missense variant has a deleterious effect on protein structure/function; Has not been previously published as pathogenic or benign to our knowledge